The following is an entry in ClinVar:

ClinVar aggregate classification (germline): Uncertain significance. Review status: criteria provided, single submitter (1 of 4 stars). 2 submissions from 2 submitters: Uncertain significance (1). 1 of the submissions does not count toward it. Last evaluated 2019-06-05.

Conditions:
Cobalamin C disease. Also called: methylmalonic aciduria and homocystinuria type cblC; Cobalamin-C methylmalonic acidemia and homocystinuria; Methylmalonic acidemia and homocystinuria cblC type; Methylmalonic aciduria and homocystinuria, Vitamin B12-responsive; Vitamin B12 metabolic defect with combined deficiency of methylmalonyl-CoA mutase and homocysteine:methyltetrahydrofolate methyltransferase; Methylmalonic aciduria with homocystinuria cblC type. Identifiers: Orphanet 26, Orphanet 79282, MedGen C1848561, MONDO:0010184, OMIM 277400.

Submissions (2):

Labcorp Genetics (formerly Invitae), Labcorp
Classification: Uncertain significance for Cobalamin C disease. Last evaluated: 2019-06-05. Review status: criteria provided, single submitter. Criteria: Invitae Variant Classification Sherloc (09022015). Collection method: clinical testing. Allele origin: germline.
Comment: In summary, the available evidence is currently insufficient to determine the role of this variant in disease. Therefore, it has been classified as a Variant of Uncertain Significance. Algorithms developed to predict the effect of missense changes on protein structure and function output the following: SIFT: "Tolerated"; PolyPhen-2: "Benign"; Align-GVGD: "Class C0". The threonine amino acid residue is found in multiple mammalian species, suggesting that this missense change does not adversely affect protein function. These predictions have not been confirmed by published functional studies and their clinical significance is uncertain. This variant has not been reported in the literature in individuals with MMACHC-related conditions. This variant is not present in population databases (ExAC no frequency). This sequence change replaces isoleucine with threonine at codon 169 of the MMACHC protein (p.Ile169Thr). The isoleucine residue is moderately conserved and there is a moderate physicochemical difference between isoleucine and threonine.

Natera, Inc.
Classification: Uncertain significance for Methylmalonic aciduria and homocystinuria cblC type. Last evaluated: 2020-04-01. Review status: no assertion criteria provided. Collection method: clinical testing. Allele origin: germline. Not counted in ClinVar's aggregate classification.

NM_015506.3(MMACHC):c.506T>C (p.Ile169Thr)

Gene: MMACHC (metabolism of cobalamin associated C; plus strand). Cytogenetic location: 1p34.1.
Variant type: single nucleotide variant.
Coding change: c.506T>C on transcript NM_015506.3 (MANE Select); coding-DNA position 506, T replaced by C.
Protein change: p.Ile169Thr; replaces isoleucine 169 with threonine.
Molecular consequence: missense variant.
Genome position (GRCh38, 1-based): chr1:45,508,872, T>C. VCF-style: chr1-45508872-T-C. GRCh37 (hg19) VCF-style: chr1-45974544-T-C.
Other names: c.335T>C, p.Ile112Thr (NM_001330540.2); short protein forms I112T, I169T.
Identifiers: ClinVar variation 949931 (VCV000949931.14), dbSNP rs1643678565, ClinGen allele CA340133237.
Genomic context (GRCh38, chr1:45,508,872, plus strand): 5'-GCATACACCCCCGATTTGGGGGCTGGTTTGCCATCCGAGGGGTAGTGCTGCTGCCAGGGA[T>C]AGAGGTGCCAGATCTGCCACCCAGAAAACCTCATGACTGTGTACCTACAAGAGCTGACCG-3'
Protein context (NP_056321.2, residues 159-179): AIRGVVLLPG[Ile169Thr]EVPDLPPRKP